The following is an entry in ClinVar:

NM_025233.7(COASY):c.825C>G (p.Pro275=)

Gene: COASY (Coenzyme A synthase; plus strand). Cytogenetic location: 17q21.2.
Variant type: single nucleotide variant.
Coding change: c.825C>G on transcript NM_025233.7 (MANE Select); coding-DNA position 825, C replaced by G.
Protein change: p.Pro275=; no amino-acid change (proline 275 retained).
Molecular consequence: synonymous variant.
Genome position (GRCh38, 1-based): chr17:42,564,085, C>G. VCF-style: chr17-42564085-C-G. GRCh37 (hg19) VCF-style: chr17-40716103-C-G.
Other names: c.825C>G, p.Pro275= (NM_001042529.3); c.912C>G, p.Pro304= (NM_001042532.4).
Identifiers: ClinVar variation 1879371 (VCV001879371.31), dbSNP rs148652390, ClinGen allele CA290771466.

ClinVar aggregate classification (germline): Likely benign. Review status: criteria provided, multiple submitters, no conflicts (2 of 4 stars). 2 submissions from 2 submitters: Likely benign (2). Last evaluated 2024-08-13.

Conditions:
Neurodegeneration with brain iron accumulation 6 (NBIA6). Also called: COASY protein-associated neurodegeneration. Identifiers: Orphanet 397725, MedGen C4517377, MONDO:0014290, OMIM 615643.

gnomAD v4.1: 3 of 1,614,006 alleles (0.00019%); highest among the groups gnomAD compares: Non-Finnish European, 0.00025%; no homozygotes.

Submissions (2):

Labcorp Genetics (formerly Invitae), Labcorp
Classification: Likely benign for Neurodegeneration with brain iron accumulation 6. Last evaluated: 2024-08-13. Review status: criteria provided, single submitter. Criteria: Invitae Variant Classification Sherloc (09022015). Collection method: clinical testing. Allele origin: germline.

CeGaT Center for Human Genetics Tuebingen
Classification: Likely benign. Last evaluated: 2022-11-01. Review status: criteria provided, single submitter. Criteria: CeGaT Center For Human Genetics Tuebingen Variant Classification Criteria Version 2. Collection method: clinical testing. Allele origin: germline. Affected: yes. Observed: 1 variant allele.
Comment: COASY: BP4, BP7